The following is an entry in ClinVar:

NM_001356.5(DDX3X):c.1329G>T (p.Leu443=)

Gene: DDX3X (DEAD-box helicase 3 X-linked; plus strand). Cytogenetic location: Xp11.4.
Variant type: single nucleotide variant.
Coding change: c.1329G>T on transcript NM_001356.5 (MANE Select); coding-DNA position 1329, G replaced by T.
Protein change: p.Leu443=; no amino-acid change (leucine 443 retained).
Molecular consequence: synonymous variant. On other transcripts: non-coding transcript variant (1).
Genome position (GRCh38, 1-based): chrX:41,346,242, G>T. VCF-style: chrX-41346242-G-T. GRCh37 (hg19) VCF-style: chrX-41205495-G-T.
Other names: c.1329G>T, p.Leu443= (NM_001193416.3); c.1281G>T, p.Leu427= (NM_001193417.3); c.771G>T, p.Leu257= (NM_001363819.1).
Identifiers: ClinVar variation 2500019 (VCV002500019.1), dbSNP rs2519522741, ClinGen allele CA515972365.

ClinVar aggregate classification (germline): Uncertain significance (1 of 4 stars; one submission).

Conditions:
Intellectual disability, X-linked 102 (MRXSSB). Also called: Intellectual developmental disorder, X-linked syndromic, Snijders Blok type. Identifiers: Orphanet 457260, MedGen C5393299, MONDO:0010497, OMIM 300958.

Submission:

Center for Genomics, Ann and Robert H. Lurie Children's Hospital of Chicago
Classification: Uncertain significance for Intellectual disability, X-linked 102. Last evaluated: 2022-03-30. Review status: criteria provided, single submitter. Criteria: ACMG Guidelines, 2015. Collection method: clinical testing. Allele origin: germline.
Comment: This variant has not been reported in the literature and is not present in large control databases. Evolutionary conservation and computational predictive tools for this variant are limited or unavailable. Of note, this variant is a silent variant and does not change the amino acid, reducing the probability that this variant is disease causing, but might have a splicing impact. In summary, data on this variant is insufficient for disease classification. Therefore, the clinical significance of this variant is uncertain.